The following is an entry in ClinVar:

NM_053025.4(MYLK):c.3569C>T (p.Ala1190Val)

Gene: MYLK (myosin light chain kinase; minus strand). Cytogenetic location: 3q21.1.
Variant type: single nucleotide variant.
Coding change: c.3569C>T on transcript NM_053025.4 (MANE Select); coding-DNA position 3569, C replaced by T.
Protein change: p.Ala1190Val; replaces alanine 1190 with valine.
Molecular consequence: missense variant.
Genome position (GRCh38, 1-based): chr3:123,682,307, G>A on the plus strand (C>T on the coding strand, the complement: MYLK is on the minus strand). VCF-style: chr3-123682307-G-A. GRCh37 (hg19) VCF-style: chr3-123401154-G-A.
Other names: c.3041C>T, p.Ala1014Val (NM_001321309.2); c.3362C>T, p.Ala1121Val (NM_053026.4, NM_053028.4); c.3569C>T, p.Ala1190Val (NM_053027.4); short protein forms A1190V, A1121V, A1014V.
Identifiers: ClinVar variation 1732762 (VCV001732762.5), dbSNP rs769599836, ClinGen allele CA069844.
Genomic context (GRCh38, chr3:123,682,307, plus strand): 5'-AGAGAGCTCTTGGGCCTCCGGGATTTCATCTCTGGGGCCTTGGTGTTCTCACTGGCTGGA[G>A]CATCTGGAATGAAACAGGTAACAATAAATGTTAGCAGCTGCTGAGGAAATGAGCAAAGGG-3'
Protein context (NP_444253.3, residues 1180-1200): ECSCQVTVDD[Ala1190Val]PASENTKAPE

ClinVar aggregate classification (germline): Uncertain significance. Review status: criteria provided, multiple submitters, no conflicts (2 of 4 stars). 2 submissions from 2 submitters: Uncertain significance (2). Last evaluated 2024-06-16.

Conditions:
Familial thoracic aortic aneurysm and aortic dissection (TAAD). Also called: Thoracic aortic aneurysms and dissections. Identifiers: Orphanet 91387, MedGen C4707243, MONDO:0019625.
Aortic aneurysm, familial thoracic 7 (AAT7). Also called: AORTIC DISSECTION, FAMILIAL, WITH OR WITHOUT AORTIC ANEURYSM. Identifiers: MedGen C3151077, MONDO:0013418, OMIM 613780.

Allele frequency attached by ClinVar (database versions not stated): TOPMed below 0.00001; gnomAD 0.00001; gnomAD exomes 0.00001.
gnomAD v4.1: 19 of 1,596,464 alleles (0.0012%); highest among the groups gnomAD compares: Non-Finnish European, 0.0015%; no homozygotes.

Submissions (2):

Labcorp Genetics (formerly Invitae), Labcorp
Classification: Uncertain significance for Aortic aneurysm, familial thoracic 7. Last evaluated: 2024-06-16. Review status: criteria provided, single submitter. Criteria: Invitae Variant Classification Sherloc (09022015). Collection method: clinical testing. Allele origin: germline.
Comment: This sequence change replaces alanine, which is neutral and non-polar, with valine, which is neutral and non-polar, at codon 1190 of the MYLK protein (p.Ala1190Val). The frequency data for this variant in the population databases is considered unreliable, as metrics indicate poor data quality at this position in the gnomAD database. This variant has not been reported in the literature in individuals affected with MYLK-related conditions. ClinVar contains an entry for this variant (Variation ID: 1732762). Advanced modeling of protein sequence and biophysical properties (such as structural, functional, and spatial information, amino acid conservation, physicochemical variation, residue mobility, and thermodynamic stability) performed at Invitae indicates that this missense variant is not expected to disrupt MYLK protein function with a negative predictive value of 80%. In summary, the available evidence is currently insufficient to determine the role of this variant in disease. Therefore, it has been classified as a Variant of Uncertain Significance.

Ambry Genetics
Classification: Uncertain significance for Familial thoracic aortic aneurysm and aortic dissection. Last evaluated: 2021-06-21. Review status: criteria provided, single submitter. Criteria: Ambry Variant Classification Scheme 2023. Collection method: clinical testing. Allele origin: germline.
Comment: The p.A1190V variant (also known as c.3569C>T), located in coding exon 17 of the MYLK gene, results from a C to T substitution at nucleotide position 3569. The alanine at codon 1190 is replaced by valine, an amino acid with similar properties. This amino acid position is highly conserved in available vertebrate species. In addition, this alteration is predicted to be tolerated by in silico analysis. Since supporting evidence is limited at this time, the clinical significance of this alteration remains unclear.